The following is an entry in ClinVar:

NM_002601.4(PDE6D):c.227T>C (p.Leu76Pro)

Gene: PDE6D (phosphodiesterase 6D; minus strand). Cytogenetic location: 2q37.1.
Variant type: single nucleotide variant.
Coding change: c.227T>C on transcript NM_002601.4 (MANE Select); coding-DNA position 227, T replaced by C.
Protein change: p.Leu76Pro; replaces leucine 76 with proline.
Molecular consequence: missense variant.
Genome position (GRCh38, 1-based): chr2:231,738,051, A>G on the plus strand (T>C on the coding strand, the complement: PDE6D is on the minus strand). VCF-style: chr2-231738051-A-G. GRCh37 (hg19) VCF-style: chr2-232602761-A-G.
Other names: c.227T>C, p.Leu76Pro (NM_001291018.2); short protein forms L76P.
Identifiers: ClinVar variation 2131348 (VCV002131348.4), dbSNP rs2048717432, ClinGen allele CA350974567.
Genomic context (GRCh38, chr2:231,738,051, plus strand): 5'-AGGCATGTAGGCAGCAGAATACCTTCTAGGCATTGCCCTTTGAAGTAAACTTTTTGTTCC[A>G]GGCGGAATTTTTCCATTTGTTCTGTCGAAGAAAAATTAAGTTCTCGAGACACTGCCTTGC-3'
Protein context (NP_002592.1, residues 66-86): SSTEQMEKFR[Leu76Pro]EQKVYFKGQC

ClinVar aggregate classification (germline): Uncertain significance (1 of 4 stars; one submission).

Conditions:
Joubert syndrome 22 (JBTS22). Identifiers: Orphanet 2754, MedGen C3810278, MONDO:0014297, OMIM 615665.

Submission:

Labcorp Genetics (formerly Invitae), Labcorp
Classification: Uncertain significance for Joubert syndrome 22. Last evaluated: 2022-04-28. Review status: criteria provided, single submitter. Criteria: Invitae Variant Classification Sherloc (09022015). Collection method: clinical testing. Allele origin: germline.
Comment: In summary, the available evidence is currently insufficient to determine the role of this variant in disease. Therefore, it has been classified as a Variant of Uncertain Significance. Algorithms developed to predict the effect of missense changes on protein structure and function (SIFT, PolyPhen-2, Align-GVGD) all suggest that this variant is likely to be disruptive. This sequence change replaces leucine, which is neutral and non-polar, with proline, which is neutral and non-polar, at codon 76 of the PDE6D protein (p.Leu76Pro). This variant is not present in population databases (gnomAD no frequency). This variant has not been reported in the literature in individuals affected with PDE6D-related conditions.